The following is an entry in ClinVar:

NM_001142800.2(EYS):c.6050G>T (p.Gly2017Val)

Gene: EYS (EGF-like photoreceptor maintenance factor; minus strand). Cytogenetic location: 6q12.
Variant type: single nucleotide variant.
Coding change: c.6050G>T on transcript NM_001142800.2 (MANE Select); coding-DNA position 6050, G replaced by T.
Protein change: p.Gly2017Val; replaces glycine 2017 with valine.
Molecular consequence: missense variant.
Genome position (GRCh38, 1-based): chr6:64,388,718, C>A on the plus strand (G>T on the coding strand, the complement: EYS is on the minus strand). VCF-style: chr6-64388718-C-A. GRCh37 (hg19) VCF-style: chr6-65098611-C-A.
Other names: c.6050G>T, p.Gly2017Val (NM_001292009.2); short protein forms G2017V.
Identifiers: ClinVar variation 560459 (VCV000560459.23), dbSNP rs868349465, ClinGen allele CA140315856.
Genomic context (GRCh38, chr6:64,388,718, plus strand): 5'-TAATTAATATTTTAAAACATCTATAGAAATACCTGGATTTTCCCATGAAGGTCTGGAAAT[C>A]CACCAATGAAGACAGATCCTGATTTTGGCAGGGGTTTTCCGAGTACATGATTGATAGATT-3'
Protein context (NP_001136272.1, residues 2007-2027): LPKSGSVFIG[Gly2017Val]FPDLHGKIQM

ClinVar aggregate classification (germline): Pathogenic/Likely pathogenic. Review status: criteria provided, multiple submitters, no conflicts (2 of 4 stars). 13 submissions from 13 submitters: Pathogenic (2); Likely pathogenic (8). 3 of the submissions do not count toward it. Last evaluated 2025-12-18.

Conditions:
Autosomal recessive retinitis pigmentosa. Identifiers: MedGen C0339526.
Retinal dystrophy. Also called: Inherited retinal dystrophy. Identifiers: Orphanet 71862, MedGen C0854723, MeSH D058499, MONDO:0019118, HP:0000556.
Macular dystrophy. Identifiers: MedGen C0730292, HP:0007754.
EYS-related disorder. Also called: EYS-related condition.
Retinitis pigmentosa 25 (RP25). Identifiers: Orphanet 791, MedGen C1864446, MONDO:0011272, OMIM 602772.

Allele frequency attached by ClinVar (database versions not stated): gnomAD 0.00002 and 0.00001; TOPMed 0.00001.
gnomAD v4.1: 24 of 1,537,782 alleles (0.0016%); highest among the groups gnomAD compares: Middle Eastern, 0.23%; no homozygotes.

Submissions (13):

Myriad Genetics, Inc.
Classification: Likely pathogenic for Retinitis pigmentosa 25. Last evaluated: 2025-12-18. Review status: criteria provided, single submitter. Criteria: Myriad Autosomal Dominant, Autosomal Recessive and X-Linked Classification Criteria (2023). Collection method: clinical testing. Allele origin: unknown.
Comment: NM_001142800.1(EYS):c.6050G>T(G2017V) is a missense variant classified as likely pathogenic in the context of retinitis pigmentosa, EYS-related. G2017V has been observed in cases with relevant disease (PMID: 21069908, 23105016, 30902645, 28224992, 31074760, 32728228, 36819107, 37644014). Relevant functional assessments of this variant are not available in the literature. G2017V has been observed in referenced population frequency databases. In summary, NM_001142800.1(EYS):c.6050G>T(G2017V) is a missense variant that has been observed more frequently in cases with the relevant disease than in healthy populations. Please note: this variant was assessed in the context of healthy population screening.

Natera, Inc.
Classification: Likely pathogenic for Retinitis pigmentosa type 25. Last evaluated: 2025-08-25. Review status: criteria provided, single submitter. Criteria: Natera Variant Classification Schema (03/2026). Collection method: clinical testing. Allele origin: germline.
Comment: The c.6050G>T variant in EYS is a missense variant predicted to cause substitution of glycine to valine at amino acid 2017. This variant is rare in the general population with a frequency below the threshold expected for the associated phenotype(s). This variant has been observed in one or more individuals affected with the associated recessive disease, as either homozygous or compound heterozygous with a second variant (PMID: 21069908, 23105016, 28224992, 36819107). Additionally, this variant has been observed to segregate in affected family members (PMID: 31074760). Computational prediction algorithms indicate this variant is likely to affect gene or protein function. Given the available evidence, this variant is classified as Likely Pathogenic.

First Genomix Gene Laboratory, Genetic Diagnostics Department
Classification: Likely pathogenic for Retinitis pigmentosa 25. Last evaluated: 2025-07-11. Review status: criteria provided, single submitter. Criteria: ACMG Guidelines, 2015. Collection method: clinical testing. Allele origin: germline. Inheritance: Autosomal recessive inheritance. Affected: no. Observed: 1 variant allele.

Blueprint Genetics
Classification: Pathogenic for EYS-related disorders. Last evaluated: 2024-11-21. Review status: criteria provided, single submitter. Criteria: ACMG Guidelines, 2015. Collection method: clinical testing. Allele origin: germline. Affected: yes. Observed: 5 variant alleles.

Labcorp Genetics (formerly Invitae), Labcorp
Classification: Pathogenic. Last evaluated: 2024-10-26. Review status: criteria provided, single submitter. Criteria: Invitae Variant Classification Sherloc (09022015). Collection method: clinical testing. Allele origin: germline.
Comment: This sequence change replaces glycine, which is neutral and non-polar, with valine, which is neutral and non-polar, at codon 2017 of the EYS protein (p.Gly2017Val). This variant is present in population databases (no rsID available, gnomAD 0.01%). This missense change has been observed in individual(s) with retinitis pigmentosa (PMID: 21069908, 31074760, 32728228). In at least one individual the data is consistent with being in trans (on the opposite chromosome) from a pathogenic variant. It has also been observed to segregate with disease in related individuals. ClinVar contains an entry for this variant (Variation ID: 560459). Invitae Evidence Modeling of protein sequence and biophysical properties (such as structural, functional, and spatial information, amino acid conservation, physicochemical variation, residue mobility, and thermodynamic stability) indicates that this missense variant is expected to disrupt EYS protein function with a positive predictive value of 80%. For these reasons, this variant has been classified as Pathogenic.

Fulgent Genetics
Classification: Likely pathogenic for Retinitis pigmentosa 25. Last evaluated: 2024-06-17. Review status: criteria provided, single submitter. Criteria: ACMG Guidelines, 2015. Collection method: clinical testing. Allele origin: germline.

Genomic Medicine Center of Excellence, King Faisal Specialist Hospital and Research Centre
Classification: Likely pathogenic for Retinitis pigmentosa 25. Last evaluated: 2024-03-29. Review status: criteria provided, single submitter. Criteria: ACMG Guidelines, 2015. Collection method: clinical testing. Allele origin: germline.

Baylor Genetics
Classification: Likely pathogenic for Retinitis pigmentosa 25. Last evaluated: 2024-03-19. Review status: criteria provided, single submitter. Criteria: ACMG Guidelines, 2015. Collection method: clinical testing. Allele origin: unknown.

Revvity Omics, Revvity
Classification: Likely pathogenic for Retinitis pigmentosa 25. Last evaluated: 2023-11-08. Review status: criteria provided, single submitter. Criteria: ACMG Guidelines, 2015. Collection method: clinical testing. Allele origin: germline.

Institute of Human Genetics, Univ. Regensburg, Univ. Regensburg
Classification: Likely pathogenic for Retinal dystrophy. Last evaluated: 2022-01-01. Review status: criteria provided, single submitter. Criteria: ACMG Guidelines, 2015. Collection method: clinical testing. Allele origin: germline. Affected: yes.

PreventionGenetics, part of Exact Sciences
Classification: Likely pathogenic for EYS-related condition. Last evaluated: 2024-06-03. Review status: no assertion criteria provided. Collection method: clinical testing. Allele origin: germline. Not counted in ClinVar's aggregate classification.
Comment: The EYS c.6050G>T variant is predicted to result in the amino acid substitution p.Gly2017Val. This variant has been reported in the homozygous state or with a second EYS variant in individuals with retinitis pigmentosa (see for examples, Barragán et al. 2010. PubMed ID: 21069908; Messchaert et al. 2017. PubMed ID: 29159838; Cundy et al. 2020. PubMed ID: 32728228; Panneman et al. 2023. PubMed ID: 36819107). It has also been reported with a second EYS variant in an individual with macular dystrophy (Pierrache et al. 2019. PubMed ID: 31074760). This variant is reported in 0.012% of alleles in individuals of Ashkenazi Jewish descent in gnomAD. Given the evidence, we interpret this variant as likely pathogenic.

Joint Genome Diagnostic Labs from Nijmegen and Maastricht, Radboudumc and MUMC+
Classification: Pathogenic for Macular dystrophy. Last evaluated: 2016-09-01. Review status: no assertion criteria provided. Collection method: clinical testing. Allele origin: inherited. Affected: yes. Observed: 1 variant allele. Not counted in ClinVar's aggregate classification.

Faculty of Health Sciences, Beirut Arab University
Classification: Pathogenic for Autosomal recessive Retinitis Pigmentosa. Last evaluated: 2012-10-26. Review status: no assertion criteria provided. Collection method: literature only. Allele origin: germline. Affected: yes. Observed: 2 variant alleles. Not counted in ClinVar's aggregate classification.

Literature cited by the submitters: PubMed 21069908 (cited by 4 submitters); PubMed 23105016 (cited by 3 submitters); PubMed 28224992 (cited by Myriad Genetics, Inc. and Natera, Inc.); PubMed 30902645 (cited by Myriad Genetics, Inc.); PubMed 31074760 (cited by 4 submitters); PubMed 32728228 (cited by 3 submitters); PubMed 36819107 (cited by 3 submitters); PubMed 37644014 (cited by Myriad Genetics, Inc.); PubMed 27884173 (cited by Institute of Human Genetics, Univ. Regensburg, Univ. Regensburg); PubMed 29159838 (cited by Institute of Human Genetics, Univ. Regensburg, Univ. Regensburg); PubMed 31964843 (cited by Institute of Human Genetics, Univ. Regensburg, Univ. Regensburg).